The following is an entry in ClinVar:

NM_001013838.3(CARMIL2):c.926T>C (p.Leu309Pro)

Gene: CARMIL2 (capping protein regulator and myosin 1 linker 2; plus strand). Cytogenetic location: 16q22.1.
Variant type: single nucleotide variant.
Coding change: c.926T>C on transcript NM_001013838.3 (MANE Select); coding-DNA position 926, T replaced by C.
Protein change: p.Leu309Pro; replaces leucine 309 with proline.
Molecular consequence: missense variant.
Genome position (GRCh38, 1-based): chr16:67,647,734, T>C. VCF-style: chr16-67647734-T-C. GRCh37 (hg19) VCF-style: chr16-67681637-T-C.
Other names: c.926T>C, p.Leu309Pro (NM_001317026.3); short protein forms L309P.
Identifiers: ClinVar variation 1676252 (VCV001676252.2), dbSNP rs758192470, ClinGen allele CA8113277.
Genomic context (GRCh38, chr16:67,647,734, plus strand): 5'-CCCAAGGCATGACTGCACTCAGCAGACACCTCGAGCGTTGTCCAGGAGCCCTGAGGAGAC[T>C]CAGCCTGGCCCAGACAGGGTTGACACCGCGAGGTAGGCTGGATGAGGGAGGGGGTGAGGG-3'
Protein context (NP_001013860.1, residues 299-319): LERCPGALRR[Leu309Pro]SLAQTGLTPR

ClinVar aggregate classification (germline): Uncertain significance (1 of 4 stars; one submission).

Conditions:
Severe combined immunodeficiency due to CARMIL2 deficiency. Also called: IMMUNODEFICIENCY 58. Identifiers: Orphanet 542301, MedGen C4748304, MONDO:0029134, OMIM 618131.

Allele frequency attached by ClinVar (database versions not stated): gnomAD 0.00001; gnomAD exomes 0.00001 and 0.00002; TOPMed 0.00001; ExAC 0.00002.
gnomAD v4.1: 27 of 1,381,448 alleles (0.002%); highest among the groups gnomAD compares: Non-Finnish European, 0.0026%; no homozygotes.

Submission:

Molecular Genetics, Royal Melbourne Hospital
Classification: Uncertain significance for Severe combined immunodeficiency due to CARMIL2 deficiency. Last evaluated: 2021-08-10. Review status: criteria provided, single submitter. Criteria: ACMG Guidelines, 2015. Collection method: clinical testing. Allele origin: germline. Affected: yes.
Comment: This sequence change is predicted to replace leucine with proline at codon 309 of the CARMIL2 protein (p.(Leu309Pro)). The leucine residue is moderately conserved (100 vertebrates, UCSC), and is located in the leucine rich LRR 5 repeat. There is a moderate physicochemical difference between leucine and proline. The variant is present in a large population cohort at a frequency of 0.0009% (2/213,250 alleles, 0 homozygotes in gnomAD v2.1). It has been identified with a likely pathogenic variant (phase unknown) in an individual with chronic warts and skin infections since childhood (Royal Melbourne Hospital). Multiple lines of computational evidence have conflicting predictions for the missense substitution (3/6 algorithms deleterious). Based on the classification scheme RMH Modified ACMG Guidelines v1.4.0, this variant is classified as a VARIANT OF UNCERTAIN SIGNIFICANCE. Following criteria are met: PM2_Supporting, PM3_Supporting.